The following is an entry in ClinVar:

ClinVar aggregate classification (germline): Conflicting classifications of pathogenicity. Review status: criteria provided, conflicting classifications (1 of 4 stars). 2 submissions from 2 submitters: Uncertain significance (1); Likely benign (1). Last evaluated 2025-05-07.

Conditions:
Inborn genetic diseases. Identifiers: MedGen C0950123, MeSH D030342.

Allele frequency attached by ClinVar (database versions not stated): 1000 Genomes Project 30x 0.00016; 1000 Genomes Project 0.00020; ESP Exome Variant Server 0.00023; ExAC 0.00012.
gnomAD v4.1: 30 of 1,614,134 alleles (0.0019%); highest among the groups gnomAD compares: African/African-American, 0.012%; no homozygotes.

Submissions (2):

Labcorp Genetics (formerly Invitae), Labcorp
Classification: Uncertain significance. Last evaluated: 2025-05-07. Review status: criteria provided, single submitter. Criteria: Invitae Variant Classification Sherloc (09022015). Collection method: clinical testing. Allele origin: germline.
Comment: This sequence change replaces valine, which is neutral and non-polar, with methionine, which is neutral and non-polar, at codon 1441 of the TCF20 protein (p.Val1441Met). This variant is present in population databases (rs147643985, gnomAD 0.02%). This variant has not been reported in the literature in individuals affected with TCF20-related conditions. ClinVar contains an entry for this variant (Variation ID: 2411384). An algorithm developed to predict the effect of missense changes on protein structure and function (PolyPhen-2) suggests that this variant is likely to be tolerated. In summary, the available evidence is currently insufficient to determine the role of this variant in disease. Therefore, it has been classified as a Variant of Uncertain Significance.

Ambry Genetics
Classification: Likely benign for Inborn genetic diseases. Last evaluated: 2021-06-22. Review status: criteria provided, single submitter. Criteria: Ambry Variant Classification Scheme 2023. Collection method: clinical testing. Allele origin: germline.

NM_001378418.1(TCF20):c.4321G>A (p.Val1441Met)

Gene: TCF20 (transcription factor 20; minus strand). Cytogenetic location: 22q13.2.
Variant type: single nucleotide variant.
Coding change: c.4321G>A on transcript NM_001378418.1 (MANE Select); coding-DNA position 4321, G replaced by A.
Protein change: p.Val1441Met; replaces valine 1441 with methionine.
Molecular consequence: missense variant.
Genome position (GRCh38, 1-based): chr22:42,210,985, C>T on the plus strand (G>A on the coding strand, the complement: TCF20 is on the minus strand). VCF-style: chr22-42210985-C-T. GRCh37 (hg19) VCF-style: chr22-42606991-C-T.
Other names: c.4321G>A, p.Val1441Met (NM_005650.4, NM_181492.3); short protein forms V1441M.
Identifiers: ClinVar variation 2411384 (VCV002411384.4), dbSNP rs147643985, ClinGen allele CA10266662.